The following is an entry in ClinVar:

NM_004064.5(CDKN1B):c.475+10C>T

Gene: CDKN1B (cyclin dependent kinase inhibitor 1B; plus strand). Cytogenetic location: 12p13.1.
Variant type: single nucleotide variant.
Coding change: c.475+10C>T on transcript NM_004064.5 (MANE Select); 10 bases into the intron after coding-DNA position 475, C replaced by T.
Molecular consequence: intron variant.
Genome position (GRCh38, 1-based): chr12:12,718,324, C>T. VCF-style: chr12-12718324-C-T. GRCh37 (hg19) VCF-style: chr12-12871258-C-T.
Identifiers: ClinVar variation 307667 (VCV000307667.17), dbSNP rs36101844, ClinGen allele CA6457513.

ClinVar aggregate classification (germline): Benign/Likely benign. Review status: criteria provided, multiple submitters, no conflicts (2 of 4 stars). 3 submissions from 3 submitters: Benign (1); Likely benign (1). 1 of the submissions does not count toward it. Last evaluated 2026-02-01.

Conditions:
CDKN1B-related disorder. Also called: CDKN1B-related condition.
Multiple endocrine neoplasia type 4. Also called: MULTIPLE ENDOCRINE NEOPLASIA, TYPE IV. Identifiers: Orphanet 276152, MedGen C1970712, MONDO:0012552, OMIM 610755.
Hereditary cancer-predisposing syndrome. Also called: Neoplastic Syndromes, Hereditary; Tumor predisposition; Hereditary Cancer Syndrome; Hereditary neoplastic syndrome. Identifiers: Orphanet 140162, MedGen C0027672, MeSH D009386, MONDO:0015356.

Allele frequency attached by ClinVar (database versions not stated): ESP Exome Variant Server 0.00077; TOPMed 0.00080; gnomAD 0.00089 and 0.00096; 1000 Genomes Project 30x 0.00094; 1000 Genomes Project 0.00100.
gnomAD v4.1: 269 of 1,598,358 alleles (0.017%); highest among the groups gnomAD compares: African/African-American, 0.33%; no homozygotes.

Submissions (3):

Labcorp Genetics (formerly Invitae), Labcorp
Classification: Benign for Multiple endocrine neoplasia type 4. Last evaluated: 2026-02-01. Review status: criteria provided, single submitter. Criteria: Invitae Variant Classification Sherloc (09022015). Collection method: clinical testing. Allele origin: germline.

Sema4
Classification: Likely benign for Hereditary cancer-predisposing syndrome. Last evaluated: 2021-07-30. Review status: criteria provided, single submitter. Criteria: Sema4 Curation Guidelines. Collection method: curation. Allele origin: germline.

PreventionGenetics, part of Exact Sciences
Classification: Likely benign for CDKN1B-related condition. Last evaluated: 2024-07-24. Review status: no assertion criteria provided. Collection method: clinical testing. Allele origin: germline. Not counted in ClinVar's aggregate classification.
Comment: This variant is classified as likely benign based on ACMG/AMP sequence variant interpretation guidelines (Richards et al. 2015 PMID: 25741868, with internal and published modifications).